The following is an entry in ClinVar:

ClinVar aggregate classification (germline): Uncertain significance (1 of 4 stars; one submission).

Submission:

Labcorp Genetics (formerly Invitae), Labcorp
Classification: Uncertain significance. Last evaluated: 2022-12-06. Review status: criteria provided, single submitter. Criteria: Invitae Variant Classification Sherloc (09022015). Collection method: clinical testing. Allele origin: germline.
Comment: In summary, the available evidence is currently insufficient to determine the role of this variant in disease. Therefore, it has been classified as a Variant of Uncertain Significance. Algorithms developed to predict the effect of missense changes on protein structure and function (SIFT, PolyPhen-2, Align-GVGD) all suggest that this variant is likely to be disruptive. ClinVar contains an entry for this variant (Variation ID: 1523101). This variant has not been reported in the literature in individuals affected with PLTP-related conditions. This variant is not present in population databases (gnomAD no frequency). This sequence change replaces valine, which is neutral and non-polar, with glutamic acid, which is acidic and polar, at codon 266 of the PLTP protein (p.Val266Glu).

NM_006227.4(PLTP):c.797T>A (p.Val266Glu)

Gene: PLTP (phospholipid transfer protein; minus strand). Cytogenetic location: 20q13.12.
Variant type: single nucleotide variant.
Coding change: c.797T>A on transcript NM_006227.4 (MANE Select); coding-DNA position 797, T replaced by A.
Protein change: p.Val266Glu; replaces valine 266 with glutamic acid.
Molecular consequence: missense variant.
Genome position (GRCh38, 1-based): chr20:45,905,027, A>T on the plus strand (T>A on the coding strand, the complement: PLTP is on the minus strand). VCF-style: chr20-45905027-A-T. GRCh37 (hg19) VCF-style: chr20-44533666-A-T.
Other names: c.512T>A, p.Val171Glu (NM_001242920.2); c.533T>A, p.Val178Glu (NM_001242921.1); c.641T>A, p.Val214Glu (NM_182676.3); short protein forms V171E, V266E, V214E, V178E.
Identifiers: ClinVar variation 1523101 (VCV001523101.8), dbSNP rs2145835340, ClinGen allele CA409194164.
Genomic context (GRCh38, chr20:45,905,027, plus strand): 5'-AGGGCCCCCGCCCGGAAGTAGCTCTCCATGGCAGAGTCGAAGAAGAACTCAGAGAAGGCC[A>T]CATACACCATCCGCTCTTCCTCCTGCAGCTGGGGCTCCACTGCCCGGTTGGGGAGGCTCC-3'
Protein context (NP_006218.1, residues 256-276): QLQEEERMVY[Val266Glu]AFSEFFFDSA